The following is an entry in ClinVar:

ClinVar aggregate classification (germline): Uncertain significance. Review status: criteria provided, multiple submitters, no conflicts (2 of 4 stars). 2 submissions from 2 submitters: Uncertain significance (2). Last evaluated 2025-02-18.

Conditions:
Inborn genetic diseases. Identifiers: MedGen C0950123, MeSH D030342.

Allele frequency attached by ClinVar (database versions not stated): TOPMed below 0.00001; gnomAD exomes 0.00001.
gnomAD v4.1: 19 of 1,614,060 alleles (0.0012%); highest among the groups gnomAD compares: Non-Finnish European, 0.0014%; no homozygotes.

Submissions (2):

GeneDx
Classification: Uncertain significance. Last evaluated: 2025-02-18. Review status: criteria provided, single submitter. Criteria: GeneDx Variant Classification Process June 2021. Collection method: clinical testing. Allele origin: germline. Affected: yes.
Comment: Not observed at significant frequency in large population cohorts (gnomAD); In silico analysis supports that this missense variant has a deleterious effect on protein structure/function; Has not been previously published as pathogenic or benign to our knowledge

Ambry Genetics
Classification: Uncertain significance for Inborn genetic diseases. Last evaluated: 2023-02-22. Review status: criteria provided, single submitter. Criteria: Ambry Variant Classification Scheme 2023. Collection method: clinical testing. Allele origin: germline.

NM_018238.4(AGK):c.611T>C (p.Phe204Ser)

Gene: AGK (acylglycerol kinase; plus strand). Cytogenetic location: 7q34.
Variant type: single nucleotide variant.
Coding change: c.611T>C on transcript NM_018238.4 (MANE Select); coding-DNA position 611, T replaced by C.
Protein change: p.Phe204Ser; replaces phenylalanine 204 with serine.
Molecular consequence: missense variant.
Genome position (GRCh38, 1-based): chr7:141,633,923, T>C. VCF-style: chr7-141633923-T-C. GRCh37 (hg19) VCF-style: chr7-141333723-T-C.
Other names: c.611T>C, p.Phe204Ser (NM_001364948.3); short protein forms F204S.
Identifiers: ClinVar variation 2487320 (VCV002487320.3), dbSNP rs1422298421, ClinGen allele CA369537642.